The following is an entry in ClinVar:

ClinVar aggregate classification (germline): Uncertain significance. Review status: criteria provided, multiple submitters, no conflicts (2 of 4 stars). 2 submissions from 2 submitters: Uncertain significance (2). Last evaluated 2023-12-08.

Conditions:
Renal carnitine transport defect (CDSP). Also called: Primary carnitine deficiency; Systemic primary carnitine deficiency; CARNITINE DEFICIENCY, SYSTEMIC, DUE TO DEFECT IN RENAL REABSORPTION OF CARNITINE; CARNITINE TRANSPORTER, PLASMA-MEMBRANE, DEFICIENCY OF; CARNITINE UPTAKE DEFECT; Carnitine transporter deficiency. Identifiers: Orphanet 158, MedGen C0342788, MONDO:0008919, OMIM 212140.

Allele frequency attached by ClinVar (database versions not stated): gnomAD exomes below 0.00001.
gnomAD v4.1: 4 of 1,608,924 alleles (0.00025%); highest among the groups gnomAD compares: Non-Finnish European, 0.00034%; no homozygotes.

Submissions (2):

GeneDx
Classification: Uncertain significance. Last evaluated: 2023-12-08. Review status: criteria provided, single submitter. Criteria: GeneDx Variant Classification Process June 2021. Collection method: clinical testing. Allele origin: germline. Affected: yes.
Comment: Not observed at significant frequency in large population cohorts (gnomAD); In silico analysis supports that this missense variant does not alter protein structure/function; Has not been previously published as pathogenic or benign to our knowledge

Labcorp Genetics (formerly Invitae), Labcorp
Classification: Uncertain significance for Renal carnitine transport defect. Last evaluated: 2021-09-01. Review status: criteria provided, single submitter. Criteria: Invitae Variant Classification Sherloc (09022015). Collection method: clinical testing. Allele origin: germline.
Comment: This sequence change replaces serine with asparagine at codon 59 of the SLC22A5 protein (p.Ser59Asn). The serine residue is highly conserved and there is a small physicochemical difference between serine and asparagine. This variant is not present in population databases (ExAC no frequency). This variant has not been reported in the literature in individuals affected with SLC22A5-related conditions. Algorithms developed to predict the effect of missense changes on protein structure and function are either unavailable or do not agree on the potential impact of this missense change (SIFT: "Deleterious"; PolyPhen-2: "Benign"; Align-GVGD: "Class C0"). In summary, the available evidence is currently insufficient to determine the role of this variant in disease. Therefore, it has been classified as a Variant of Uncertain Significance.

NM_003060.4(SLC22A5):c.176G>A (p.Ser59Asn)

Gene: SLC22A5 (solute carrier family 22 member 5; plus strand). Cytogenetic location: 5q31.1.
Variant type: single nucleotide variant.
Coding change: c.176G>A on transcript NM_003060.4 (MANE Select); coding-DNA position 176, G replaced by A.
Protein change: p.Ser59Asn; replaces serine 59 with asparagine.
Molecular consequence: missense variant.
Genome position (GRCh38, 1-based): chr5:132,370,148, G>A. VCF-style: chr5-132370148-G-A. GRCh37 (hg19) VCF-style: chr5-131705840-G-A.
Other names: c.176G>A (NM_003060.3); c.176G>A, p.Ser59Asn (NM_001308122.2); short protein forms S59N.
Identifiers: ClinVar variation 1471987 (VCV001471987.6), dbSNP rs1482607262, ClinGen allele CA360802526.